The following is an entry in ClinVar:

ClinVar aggregate classification (germline): Benign/Likely benign. Review status: criteria provided, multiple submitters, no conflicts (2 of 4 stars). 7 submissions from 7 submitters: Benign (4); Likely benign (3). Last evaluated 2026-09-01.

Conditions:
Kidney disorder. Also called: Nephropathy; Kidney disease; Kidney Diseases; renal disorder; renal disease. Identifiers: MedGen C0022658, MONDO:0005240, HP:0000112.
Charcot-Marie-Tooth disease dominant intermediate E. Also called: CHARCOT-MARIE-TOOTH NEUROPATHY WITH FOCAL SEGMENTAL GLOMERULONEPHRITIS. Identifiers: Orphanet 93114, MedGen C4302667, MONDO:0013758, OMIM 614455.
Focal segmental glomerulosclerosis 5 (FSGS5). Identifiers: Orphanet 656, MedGen C2750475, MONDO:0013191, OMIM 613237.

Allele frequency attached by ClinVar (database versions not stated): gnomAD exomes 0.00026 and 0.00071; ExAC 0.00079; gnomAD 0.00198 and 0.00214; 1000 Genomes Project 30x 0.00219; 1000 Genomes Project 0.00220; ESP Exome Variant Server 0.00225; TOPMed 0.00249.
gnomAD v4.1: 706 of 1,612,422 alleles (0.044%); highest among the groups gnomAD compares: African/African-American, 0.61%; 6 homozygotes.

Submissions (7):

CeGaT Center for Human Genetics Tuebingen
Classification: Likely benign. Last evaluated: 2026-09-01. Review status: criteria provided, single submitter. Criteria: CeGaT Center For Human Genetics Tuebingen Variant Classification Criteria Version 2. Collection method: clinical testing. Allele origin: germline. Affected: yes. Observed: 2 variant alleles.
Comment: INF2: BP4, BS1

Labcorp Genetics (formerly Invitae), Labcorp
Classification: Benign for Charcot-Marie-Tooth disease dominant intermediate E; Focal segmental glomerulosclerosis 5. Last evaluated: 2025-12-31. Review status: criteria provided, single submitter. Criteria: Invitae Variant Classification Sherloc (09022015). Collection method: clinical testing. Allele origin: germline.

Blueprint Genetics
Classification: Likely benign. Last evaluated: 2024-11-06. Review status: criteria provided, single submitter. Criteria: ACMG Guidelines, 2015. Collection method: clinical testing. Allele origin: germline.

Mayo Clinic Laboratories, Mayo Clinic
Classification: Benign. Last evaluated: 2021-07-13. Review status: criteria provided, single submitter. Criteria: ACMG Guidelines, 2015. Collection method: clinical testing. Allele origin: germline. Observed: 6 variant alleles.

GeneDx
Classification: Benign. Last evaluated: 2020-11-11. Review status: criteria provided, single submitter. Criteria: GeneDx Variant Classification Process June 2021. Collection method: clinical testing. Allele origin: germline. Affected: yes.

Genome Diagnostics Laboratory, The Hospital for Sick Children
Classification: Likely benign for Kidney disorder. Last evaluated: 2017-04-03. Review status: criteria provided, single submitter. Criteria: ACMG Guidelines, 2015. Collection method: clinical testing. Allele origin: germline.

Breakthrough Genomics
Classification: Benign. Review status: criteria provided, single submitter. Criteria: ACMG Guidelines, 2015. Collection method: not provided. Allele origin: germline. Inheritance: Autosomal dominant inheritance. Affected: yes.

NM_022489.4(INF2):c.2999G>A (p.Ser1000Asn)

Gene: INF2 (inverted formin 2; plus strand). Cytogenetic location: 14q32.33.
Variant type: single nucleotide variant.
Coding change: c.2999G>A on transcript NM_022489.4 (MANE Select); coding-DNA position 2999, G replaced by A.
Protein change: p.Ser1000Asn; replaces serine 1000 with asparagine.
Molecular consequence: missense variant.
Genome position (GRCh38, 1-based): chr14:104,713,565, G>A. VCF-style: chr14-104713565-G-A. GRCh37 (hg19) VCF-style: chr14-105179902-G-A.
Other names: p.Ser1000Asn; c.2999G>A, p.Ser1000Asn (NM_001031714.4); short protein forms S1000N.
Identifiers: ClinVar variation 472848 (VCV000472848.20), dbSNP rs148541427, ClinGen allele CA7373147.